The following is an entry in ClinVar:

ClinVar aggregate classification (germline): Uncertain significance. Review status: criteria provided, multiple submitters, no conflicts (2 of 4 stars). 3 submissions from 3 submitters: Uncertain significance (3). Last evaluated 2025-10-13.

Conditions:
Hereditary cancer-predisposing syndrome. Also called: Neoplastic Syndromes, Hereditary; Hereditary Cancer Syndrome; Tumor predisposition; Hereditary neoplastic syndrome. Identifiers: Orphanet 140162, MedGen C0027672, MeSH D009386, MONDO:0015356.

Allele frequency attached by ClinVar (database versions not stated): gnomAD exomes 0.00001; ESP Exome Variant Server 0.00008.
gnomAD v4.1: 11 of 1,614,040 alleles (0.00068%); highest among the groups gnomAD compares: Middle Eastern, 0.017%; no homozygotes.

Submissions (3):

Labcorp Genetics (formerly Invitae), Labcorp
Classification: Uncertain significance for Hereditary cancer-predisposing syndrome. Last evaluated: 2025-10-13. Review status: criteria provided, single submitter. Criteria: Invitae Variant Classification Sherloc (09022015). Collection method: clinical testing. Allele origin: germline.
Comment: This sequence change replaces glutamic acid, which is acidic and polar, with glycine, which is neutral and non-polar, at codon 783 of the RAD50 protein (p.Glu783Gly). This variant is present in population databases (rs374550615, gnomAD 0.0009%). This variant has not been reported in the literature in individuals affected with RAD50-related conditions. ClinVar contains an entry for this variant (Variation ID: 142493). Invitae Evidence Modeling of protein sequence and biophysical properties (such as structural, functional, and spatial information, amino acid conservation, physicochemical variation, residue mobility, and thermodynamic stability) indicates that this missense variant is not expected to disrupt RAD50 protein function with a negative predictive value of 80%. In summary, the available evidence is currently insufficient to determine the role of this variant in disease. Therefore, it has been classified as a Variant of Uncertain Significance.

Ambry Genetics
Classification: Uncertain significance for Hereditary cancer-predisposing syndrome. Last evaluated: 2024-11-03. Review status: criteria provided, single submitter. Criteria: Ambry Variant Classification Scheme 2023. Collection method: clinical testing. Allele origin: germline.
Comment: The p.E783G variant (also known as c.2348A>G), located in coding exon 14 of the RAD50 gene, results from an A to G substitution at nucleotide position 2348. The glutamic acid at codon 783 is replaced by glycine, an amino acid with similar properties. This amino acid position is highly conserved in available vertebrate species. In addition, the in silico prediction for this alteration is inconclusive. Since supporting evidence is limited at this time, the clinical significance of this alteration remains unclear.

Blueprint Genetics
Classification: Uncertain significance. Last evaluated: 2023-10-31. Review status: criteria provided, single submitter. Criteria: ACMG Guidelines, 2015. Collection method: clinical testing. Allele origin: germline.

NM_005732.4(RAD50):c.2348A>G (p.Glu783Gly)

Gene: RAD50 (RAD50 double strand break repair protein; plus strand). Cytogenetic location: 5q31.1.
Variant type: single nucleotide variant.
Coding change: c.2348A>G on transcript NM_005732.4 (MANE Select); coding-DNA position 2348, A replaced by G.
Protein change: p.Glu783Gly; replaces glutamic acid 783 with glycine.
Molecular consequence: missense variant.
Genome position (GRCh38, 1-based): chr5:132,603,440, A>G. VCF-style: chr5-132603440-A-G. GRCh37 (hg19) VCF-style: chr5-131939132-A-G.
Other names: short protein forms E783G.
Identifiers: ClinVar variation 142493 (VCV000142493.16), dbSNP rs374550615, ClinGen allele CA168517.